The following is an entry in ClinVar:

ClinVar aggregate classification (germline): Likely pathogenic (1 of 4 stars; one submission).

Conditions:
Tumor predisposition syndrome 3 (TPDS3). Also called: Melanoma, cutaneous malignant, susceptibility to, 10; Glioma susceptibility 9; LONG TELOMERE SYNDROME, POT1-RELATED; POT1 Tumor Predisposition. Identifiers: Orphanet 618, MedGen C4014476, MONDO:0014368, OMIM 615848.

Submission:

Labcorp Genetics (formerly Invitae), Labcorp
Classification: Likely pathogenic for Tumor predisposition syndrome 3. Last evaluated: 2024-03-19. Review status: criteria provided, single submitter. Criteria: Invitae Variant Classification Sherloc (09022015). Collection method: clinical testing. Allele origin: germline.
Comment: This sequence change affects a splice site in intron 14 of the POT1 gene. It is expected to disrupt RNA splicing. Variants that disrupt the donor or acceptor splice site typically lead to a loss of protein function (PMID: 16199547), and loss-of-function variants in POT1 are known to be pathogenic (PMID: 32155570). This variant is not present in population databases (gnomAD no frequency). This variant has not been reported in the literature in individuals affected with POT1-related conditions. Algorithms developed to predict the effect of sequence changes on RNA splicing suggest that this variant may disrupt the consensus splice site. In summary, the currently available evidence indicates that the variant is pathogenic, but additional data are needed to prove that conclusively. Therefore, this variant has been classified as Likely Pathogenic.

Literature cited by the submitters: PubMed 16199547; PubMed 32155570.

NM_015450.3(POT1):c.1369+1_1369+7del

Gene: POT1 (protection of telomeres 1; minus strand). Cytogenetic location: 7q31.33.
Variant type: Deletion.
Coding change: c.1369+1_1369+7del on transcript NM_015450.3 (MANE Select); the canonical splice donor site of the intron after coding-DNA position 1369 through 7 bases into the intron after coding-DNA position 1369, 7 bases deleted (GTAAGAT; older notation c.1369+1_1369+7delGTAAGAT).
Molecular consequence: splice donor variant.
Genome position (GRCh38, 1-based): chr7:124,840,966-124,840,972, ATCTTAC deleted on the plus strand (GTAAGAT on the coding strand, the reverse complement: POT1 is on the minus strand). VCF-style (leftmost placement, unchanged base first): chr7-124840965-TATCTTAC-T. GRCh37 (hg19) VCF-style: chr7-124481019-TATCTTAC-T.
Other names: c.976+1_976+7del (NM_001042594.2).
Identifiers: ClinVar variation 3646802 (VCV003646802.2).
Genomic context (GRCh38, chr7:124,840,965, plus strand): 5'-AACAATAATTAATTAGGAAAAATATGCAAAAGGAGTATTCTAACAAAACAGTGACTTAAA[TATCTTAC>T]CTTCTATCAAAAGTAGACATTCATTTGAAAGCGGGAGAATACCATTATTTTTCACAAAAT-3'